The following is an entry in ClinVar:

ClinVar aggregate classification (germline): Uncertain significance (1 of 4 stars; one submission).

Submission:

CeGaT Center for Human Genetics Tuebingen
Classification: Uncertain significance. Last evaluated: 2026-09-01. Review status: criteria provided, single submitter. Criteria: CeGaT Center For Human Genetics Tuebingen Variant Classification Criteria Version 2. Collection method: clinical testing. Allele origin: germline. Affected: yes. Observed: 1 variant allele.
Comment: NUP54: PM2

NM_017426.4(NUP54):c.1089G>T (p.Lys363Asn)

Gene: NUP54 (nucleoporin 54; minus strand). Cytogenetic location: 4q21.1.
Variant type: single nucleotide variant.
Coding change: c.1089G>T on transcript NM_017426.4 (MANE Select); coding-DNA position 1089, G replaced by T.
Protein change: p.Lys363Asn; replaces lysine 363 with asparagine.
Molecular consequence: missense variant. On other transcripts: non-coding transcript variant (2).
Genome position (GRCh38, 1-based): chr4:76,124,724, C>A on the plus strand (G>T on the coding strand, the complement: NUP54 is on the minus strand). VCF-style: chr4-76124724-C-A. GRCh37 (hg19) VCF-style: chr4-77045877-C-A.
Other names: c.945G>T, p.Lys315Asn (NM_001278603.2); short protein forms K315N, K363N.
Identifiers: ClinVar variation 5041110 (VCV005041110.1).